The following is an entry in ClinVar:

NM_000392.5(ABCC2):c.2741G>A (p.Ser914Asn)

Genes: ABCC2 (ATP binding cassette subfamily C member 2; plus strand), LOC126861012 (BRD4-independent group 4 enhancer GRCh37_chr10:101589748-101590947; plus strand). Cytogenetic location: 10q24.2.
Variant type: single nucleotide variant.
Coding change: c.2741G>A on transcript NM_000392.5 (MANE Select); coding-DNA position 2741, G replaced by A.
Protein change: p.Ser914Asn; replaces serine 914 with asparagine.
Molecular consequence: missense variant.
Genome position (GRCh38, 1-based): chr10:99,830,427, G>A. VCF-style: chr10-99830427-G-A. GRCh37 (hg19) VCF-style: chr10-101590184-G-A.
Other names: short protein forms S914N.
Identifiers: ClinVar variation 3898839 (VCV003898839.1).

ClinVar aggregate classification (germline): Uncertain significance (1 of 4 stars; one submission).

gnomAD v4.1: 3 of 1,614,190 alleles (0.00019%); highest among the groups gnomAD compares: Middle Eastern, 0.016%; no homozygotes.

Submission:

GeneDx
Classification: Uncertain significance. Last evaluated: 2024-11-12. Review status: criteria provided, single submitter. Criteria: GeneDx Variant Classification Process June 2021. Collection method: clinical testing. Allele origin: germline. Affected: yes.
Comment: Not observed at significant frequency in large population cohorts (gnomAD); In silico analysis indicates that this missense variant does not alter protein structure/function; Has not been previously published as pathogenic or benign to our knowledge